The following is an entry in ClinVar:

ClinVar aggregate classification (germline): Uncertain significance (1 of 4 stars; one submission).

Submission:

GeneDx
Classification: Uncertain significance. Last evaluated: 2025-10-14. Review status: criteria provided, single submitter. Criteria: GeneDx Variant Classification Process June 2021. Collection method: clinical testing. Allele origin: germline. Affected: yes.
Comment: Not observed at significant frequency in large population cohorts (gnomAD); In-frame deletion of 2 amino acids and insertion of 2 amino acids in a non-repeat region; In silico analysis supports a deleterious effect on protein structure/function; Has not been previously published as pathogenic or benign to our knowledge

NM_152730.6(TBC1D32):c.1120_1124delinsAAAAA (p.Glu374_Thr375delinsLysLys)

Gene: TBC1D32 (TBC1 domain family member 32; minus strand). Cytogenetic location: 6q22.31.
Variant type: Indel.
Coding change: c.1120_1124delinsAAAAA on transcript NM_152730.6 (MANE Select); coding-DNA positions 1120 to 1124, GAAAC replaced by AAAAA.
Protein change: p.Glu374_Thr375delinsLysLys.
Molecular consequence: missense variant. On other transcripts: non-coding transcript variant (1).
Genome position (GRCh38, 1-based): chr6:121,299,462-121,299,466, GTTTC replaced by TTTTT on the plus strand (GAAAC replaced by AAAAA on the coding strand, the reverse complement: TBC1D32 is on the minus strand). VCF-style: chr6-121299462-GTTTC-TTTTT. GRCh37 (hg19) VCF-style: chr6-121620608-GTTTC-TTTTT.
Other names: c.1120_1124delinsAAAAA, p.Glu374_Thr375delinsLysLys (NM_001367759.1, NM_001367760.1).
Identifiers: ClinVar variation 1722998 (VCV001722998.3), dbSNP rs2536334327, ClinGen allele CA2580074873.